The following is an entry in ClinVar:

ClinVar aggregate classification (germline): Conflicting classifications of pathogenicity. Review status: criteria provided, conflicting classifications (1 of 4 stars). 5 submissions from 5 submitters: Uncertain significance (1); Benign (1); Likely benign (2). 1 of the submissions does not count toward it. Last evaluated 2026-08-03.

Conditions:
ATP7A-related disorder. Also called: ATP7A-related condition.
Inborn genetic diseases. Identifiers: MedGen C0950123, MeSH D030342.
Menkes kinky-hair syndrome (MNK). Also called: Copper transport disease; Menkes Disease; Classic Menkes Disease. Identifiers: Orphanet 565, MedGen C0022716, MONDO:0010651, OMIM 309400.
Cutis laxa, X-linked (OHS). Also called: EDS IX; Occipital horn syndrome. Identifiers: Orphanet 198, MedGen C0268353, MONDO:0010572, OMIM 304150.
X-linked distal spinal muscular atrophy type 3. Also called: ATP7A-Related Distal Motor Neuropathy; SPINAL MUSCULAR ATROPHY, DISTAL, X-LINKED RECESSIVE; NEURONOPATHY, DISTAL HEREDITARY MOTOR, X-LINKED; NEUROPATHY, DISTAL HEREDITARY MOTOR, X-LINKED. Identifiers: Orphanet 139557, MedGen C1845359, MONDO:0010338, OMIM 300489.

Allele frequency attached by ClinVar (database versions not stated): gnomAD 0.00002; gnomAD exomes 0.00014 and 0.00004; TOPMed 0.00002; ExAC 0.00006.
gnomAD v4.1: 155 of 1,208,152 alleles (0.013%); highest among the groups gnomAD compares: Non-Finnish European, 0.017%; no homozygotes.

Submissions (5):

GeneDx
Classification: Uncertain significance. Last evaluated: 2026-08-03. Review status: criteria provided, single submitter. Criteria: GeneDx Variant Classification Process June 2021. Collection method: clinical testing. Allele origin: germline.
Comment: Has not been previously published as pathogenic or benign to our knowledge; In silico analysis suggests that this missense variant does not alter protein structure/function

Labcorp Genetics (formerly Invitae), Labcorp
Classification: Likely benign for X-linked distal spinal muscular atrophy type 3; Cutis laxa, X-linked; Menkes kinky-hair syndrome. Last evaluated: 2025-11-18. Review status: criteria provided, single submitter. Criteria: Invitae Variant Classification Sherloc (09022015). Collection method: clinical testing. Allele origin: germline.

Mayo Clinic Laboratories, Mayo Clinic
Classification: Benign. Last evaluated: 2025-07-14. Review status: criteria provided, single submitter. Criteria: ACMG Guidelines, 2015. Collection method: clinical testing. Allele origin: germline. Observed: 1 variant allele.
Comment: BS1, BS2

Ambry Genetics
Classification: Likely benign for Inborn genetic diseases. Last evaluated: 2022-09-22. Review status: criteria provided, single submitter. Criteria: Ambry Variant Classification Scheme 2023. Collection method: clinical testing. Allele origin: germline.

PreventionGenetics, part of Exact Sciences
Classification: Likely benign for ATP7A-related condition. Last evaluated: 2023-05-31. Review status: no assertion criteria provided. Collection method: clinical testing. Allele origin: germline. Not counted in ClinVar's aggregate classification.
Comment: This variant is classified as likely benign based on ACMG/AMP sequence variant interpretation guidelines (Richards et al. 2015 PMID: 25741868, with internal and published modifications).

NM_000052.7(ATP7A):c.2029C>G (p.His677Asp)

Gene: ATP7A (ATPase copper transporting alpha; plus strand). Cytogenetic location: Xq21.1.
Variant type: single nucleotide variant.
Coding change: c.2029C>G on transcript NM_000052.7 (MANE Select); coding-DNA position 2029, C replaced by G.
Protein change: p.His677Asp; replaces histidine 677 with aspartic acid.
Molecular consequence: missense variant.
Genome position (GRCh38, 1-based): chrX:78,011,531, C>G. VCF-style: chrX-78011531-C-G. GRCh37 (hg19) VCF-style: chrX-77267028-C-G.
Other names: p.His677Asp; c.2029C>G, p.His677Asp (NM_001282224.2); c.2029C>G (NM_000052.6); short protein forms H677D.
Identifiers: ClinVar variation 1108197 (VCV001108197.16), dbSNP rs782761381, ClinGen allele CA10459188.